The following is an entry in ClinVar:

ClinVar aggregate classification (germline): Uncertain significance (1 of 4 stars; one submission).

Submission:

GeneDx
Classification: Uncertain significance. Last evaluated: 2026-02-01. Review status: criteria provided, single submitter. Criteria: GeneDx Variant Classification Process June 2021. Collection method: clinical testing. Allele origin: germline.
Comment: Not observed at significant frequency in large population cohorts (gnomAD); In silico analysis suggests that this missense variant does not alter protein structure/function; Has not been previously published as pathogenic or benign to our knowledge

NM_014727.3(KMT2B):c.7093G>A (p.Gly2365Ser)

Gene: KMT2B (lysine methyltransferase 2B; plus strand). Cytogenetic location: 19q13.12.
Variant type: single nucleotide variant.
Coding change: c.7093G>A on transcript NM_014727.3 (MANE Select); coding-DNA position 7093, G replaced by A.
Protein change: p.Gly2365Ser; replaces glycine 2365 with serine.
Molecular consequence: missense variant.
Genome position (GRCh38, 1-based): chr19:35,733,806, G>A. VCF-style: chr19-35733806-G-A. GRCh37 (hg19) VCF-style: chr19-36224707-G-A.
Other names: short protein forms G2365S.
Identifiers: ClinVar variation 4975901 (VCV004975901.1).